The following is an entry in ClinVar:

ClinVar aggregate classification (germline): Uncertain significance (1 of 4 stars; one submission).

Conditions:
Early Myoclonic Encephalopathy. Identifiers: MedGen C0270855.

Allele frequency attached by ClinVar (database versions not stated): TOPMed 0.00007; gnomAD 0.00005; ESP Exome Variant Server 0.00008.
gnomAD v4.1: 44 of 1,613,840 alleles (0.0027%); highest among the groups gnomAD compares: Non-Finnish European, 0.0034%; no homozygotes.

Submission:

Labcorp Genetics (formerly Invitae), Labcorp
Classification: Uncertain significance for Early Myoclonic Encephalopathy. Last evaluated: 2025-11-18. Review status: criteria provided, single submitter. Criteria: Invitae Variant Classification Sherloc (09022015). Collection method: clinical testing. Allele origin: germline.
Comment: This sequence change replaces serine, which is neutral and polar, with glycine, which is neutral and non-polar, at codon 1437 of the JMJD1C protein (p.Ser1437Gly). This variant is present in population databases (rs376120047, gnomAD 0.002%). This variant has not been reported in the literature in individuals affected with JMJD1C-related conditions. ClinVar contains an entry for this variant (Variation ID: 835451). Invitae Evidence Modeling of protein sequence and biophysical properties (such as structural, functional, and spatial information, amino acid conservation, physicochemical variation, residue mobility, and thermodynamic stability) indicates that this missense variant is not expected to disrupt JMJD1C protein function with a negative predictive value of 80%. In summary, the available evidence is currently insufficient to determine the role of this variant in disease. Therefore, it has been classified as a Variant of Uncertain Significance.

NM_032776.3(JMJD1C):c.4309A>G (p.Ser1437Gly)

Gene: JMJD1C (jumonji domain containing 1C; minus strand). Cytogenetic location: 10q21.3.
Variant type: single nucleotide variant.
Coding change: c.4309A>G on transcript NM_032776.3 (MANE Select); coding-DNA position 4309, A replaced by G.
Protein change: p.Ser1437Gly; replaces serine 1437 with glycine.
Molecular consequence: missense variant. On other transcripts: non-coding transcript variant (1).
Genome position (GRCh38, 1-based): chr10:63,207,360, T>C on the plus strand (A>G on the coding strand, the complement: JMJD1C is on the minus strand). VCF-style: chr10-63207360-T-C. GRCh37 (hg19) VCF-style: chr10-64967120-T-C.
Other names: c.3763A>G, p.Ser1255Gly (NM_001282948.2, NM_001318154.2); c.3445A>G, p.Ser1149Gly (NM_001318153.2); c.4195A>G, p.Ser1399Gly (NM_001322252.2); c.3652A>G, p.Ser1218Gly (NM_001322254.2, NM_001322258.2); short protein forms S1255G, S1149G, S1218G, S1399G, S1437G.
Identifiers: ClinVar variation 835451 (VCV000835451.9), dbSNP rs376120047, ClinGen allele CA208371551.